The following is an entry in ClinVar:

ClinVar aggregate classification (germline): Uncertain significance (1 of 4 stars; one submission).

Submission:

CeGaT Center for Human Genetics Tuebingen
Classification: Uncertain significance. Last evaluated: 2023-10-01. Review status: criteria provided, single submitter. Criteria: CeGaT Center For Human Genetics Tuebingen Variant Classification Criteria Version 2. Collection method: clinical testing. Allele origin: germline. Affected: yes. Observed: 1 variant allele.
Comment: ATN1: PM2:Supporting, BP4

NM_001940.4(ATN1):c.1190C>T (p.Ser397Phe)

Gene: ATN1 (atrophin 1; plus strand). Cytogenetic location: 12p13.31.
Variant type: single nucleotide variant.
Coding change: c.1190C>T on transcript NM_001940.4 (MANE Select); coding-DNA position 1190, C replaced by T.
Protein change: p.Ser397Phe; replaces serine 397 with phenylalanine.
Molecular consequence: missense variant.
Genome position (GRCh38, 1-based): chr12:6,936,457, C>T. VCF-style: chr12-6936457-C-T. GRCh37 (hg19) VCF-style: chr12-7045620-C-T.
Other names: c.1190C>T, p.Ser397Phe (NM_001007026.2, NM_001424176.1, NM_001424177.1 and 2 more transcripts); c.1187C>T, p.Ser396Phe (NM_001424179.1, NM_001424180.1, NM_001424182.1); short protein forms S396F, S397F.
Identifiers: ClinVar variation 2642643 (VCV002642643.24), dbSNP rs1555143672, ClinGen allele CA383724369.